The following is an entry in ClinVar:

NM_004484.4(GPC3):c.337+55177A>C

Genes: GPC3 (glypican 3; minus strand), GPC3-AS1 (GPC3 antisense RNA 1; plus strand). Cytogenetic location: Xq26.2.
Variant type: single nucleotide variant.
Coding change: c.337+55177A>C on transcript NM_004484.4 (MANE Select); 55177 bases into the intron after coding-DNA position 337, A replaced by C.
Molecular consequence: intron variant. On other transcripts: non-coding transcript variant (1).
Genome position (GRCh38, 1-based): chrX:133,897,873, T>G on the plus strand (A>C on the coding strand, the complement: GPC3 is on the minus strand). VCF-style: chrX-133897873-T-G. GRCh37 (hg19) VCF-style: chrX-133031900-T-G.
Other names: c.175+87402A>C (NM_001164619.2); c.289+55225A>C (NM_001164618.2); c.337+55177A>C (NM_001164617.2).
Identifiers: ClinVar variation 4845608 (VCV004845608.1).

ClinVar aggregate classification (germline): Uncertain significance (1 of 4 stars; one submission).

gnomAD v4.1: 2 of 111,784 alleles (0.0018%); highest among the groups gnomAD compares: African/African-American, 0.0065%; no homozygotes.

Submission:

Greenwood Genetic Center Diagnostic Laboratories, Greenwood Genetic Center
Classification: Uncertain significance. Last evaluated: 2025-10-28. Review status: criteria provided, single submitter. Criteria: ACMG Guidelines, 2015. Collection method: clinical testing. Allele origin: germline. Affected: yes.
Comment: PM2